The following is an entry in ClinVar:

ClinVar aggregate classification (germline): Uncertain significance (1 of 4 stars; one submission).

Conditions:
Developmental and epileptic encephalopathy, 42 (DEE42A). Also called: Epileptic encephalopathy, early infantile, 42; DEVELOPMENTAL AND EPILEPTIC ENCEPHALOPATHY 42A; EPILEPTIC ENCEPHALOPATHY, EARLY INFANTILE, 42A. Identifiers: MedGen C4310716, MONDO:0014917, OMIM 617106.
Episodic ataxia type 2 (EA2). Also called: EPISODIC ATAXIA, NYSTAGMUS-ASSOCIATED; ACETAZOLAMIDE-RESPONSIVE HEREDITARY PAROXYSMAL CEREBELLAR ATAXIA; ATAXIA, EPISODIC, WITH NYSTAGMUS; ATAXIA, FAMILIAL PAROXYSMAL; CEREBELLAR ATAXIA, PAROXYSMAL, ACETAZOLAMIDE-RESPONSIVE; CEREBELLOPATHY, HEREDITARY PAROXYSMAL. Identifiers: Orphanet 97, MedGen C1720416, MONDO:0007163, OMIM 108500.

Allele frequency attached by ClinVar (database versions not stated): gnomAD exomes below 0.00001.
gnomAD v4.1: 4 of 1,612,976 alleles (0.00025%); highest among the groups gnomAD compares: Non-Finnish European, 0.00034%; no homozygotes.

Submission:

Labcorp Genetics (formerly Invitae), Labcorp
Classification: Uncertain significance for Developmental and epileptic encephalopathy, 42; Episodic ataxia type 2. Last evaluated: 2022-11-07. Review status: criteria provided, single submitter. Criteria: Invitae Variant Classification Sherloc (09022015). Collection method: clinical testing. Allele origin: germline.
Comment: In summary, the available evidence is currently insufficient to determine the role of this variant in disease. Therefore, it has been classified as a Variant of Uncertain Significance. Advanced modeling of protein sequence and biophysical properties (such as structural, functional, and spatial information, amino acid conservation, physicochemical variation, residue mobility, and thermodynamic stability) performed at Invitae indicates that this missense variant is not expected to disrupt CACNA1A protein function. ClinVar contains an entry for this variant (Variation ID: 835094). This variant has not been reported in the literature in individuals affected with CACNA1A-related conditions. This variant is not present in population databases (gnomAD no frequency). This sequence change replaces serine, which is neutral and polar, with isoleucine, which is neutral and non-polar, at codon 839 of the CACNA1A protein (p.Ser839Ile).

NM_001127222.2(CACNA1A):c.2513G>T (p.Ser838Ile)

Gene: CACNA1A (calcium voltage-gated channel subunit alpha1 A; minus strand). Cytogenetic location: 19p13.13.
Variant type: single nucleotide variant.
Coding change: c.2513G>T on transcript NM_001127222.2 (MANE Select); coding-DNA position 2513, G replaced by T.
Protein change: p.Ser838Ile; replaces serine 838 with isoleucine.
Molecular consequence: missense variant.
Genome position (GRCh38, 1-based): chr19:13,299,120, C>A on the plus strand (G>T on the coding strand, the complement: CACNA1A is on the minus strand). VCF-style: chr19-13299120-C-A. GRCh37 (hg19) VCF-style: chr19-13409934-C-A.
Other names: c.2525G>T, p.Ser842Ile (NM_000068.4, NM_023035.3); c.2516G>T, p.Ser839Ile (NM_001127221.2, NM_001174080.2); short protein forms S838I, S842I, S839I.
Identifiers: ClinVar variation 835094 (VCV000835094.10), dbSNP rs2057735935, ClinGen allele CA404343282.